The following is an entry in ClinVar:

ClinVar aggregate classification (germline): Likely pathogenic (1 of 4 stars; one submission).

Conditions:
Cockayne syndrome type 1. Also called: Cockayne syndrome type I; Cockayne syndrome classical; Cockayne syndrome classic form. Identifiers: Orphanet 191, Orphanet 90321, MedGen C0751039, MONDO:0019569, OMIM 216400.

Submission:

Myriad Genetics, Inc.
Classification: Likely pathogenic for Cockayne syndrome type 1. Last evaluated: 2020-01-31. Review status: criteria provided, single submitter. Criteria: Myriad Women's Health Autosomal Recessive and X-Linked Classification Criteria (2019). Collection method: clinical testing. Allele origin: unknown.
Comment: NM_000082.3(ERCC8):c.903T>A(C301*) is expected to be pathogenic in the context of ERCC8-related disorders. This variant is predicted to lead to an abnormal or absent protein product due to the creation of a premature termination codon in ERCC8, a gene where loss-of-function variants are known to be pathogenic. Please note: this variant was assessed in the context of healthy population screening.

NM_000082.4(ERCC8):c.903T>A (p.Cys301Ter)

Gene: ERCC8 (ERCC excision repair 8, CSA ubiquitin ligase complex subunit; minus strand). Cytogenetic location: 5q12.1.
Variant type: single nucleotide variant.
Coding change: c.903T>A on transcript NM_000082.4 (MANE Select); coding-DNA position 903, T replaced by A.
Protein change: p.Cys301Ter; replaces cysteine 301 with a stop codon.
Molecular consequence: nonsense.
Genome position (GRCh38, 1-based): chr5:60,891,027, A>T on the plus strand (T>A on the coding strand, the complement: ERCC8 is on the minus strand). VCF-style: chr5-60891027-A-T. GRCh37 (hg19) VCF-style: chr5-60186854-A-T.
Other names: c.729T>A, p.Cys243Ter (NM_001007233.3); c.444T>A, p.Cys148Ter (NM_001290285.2); short protein forms C148*, C243*, C301*.
Identifiers: ClinVar variation 984143 (VCV000984143.3), dbSNP rs1748531932, ClinGen allele CA359823468.